The following is an entry in ClinVar:

ClinVar aggregate classification (germline): Conflicting classifications of pathogenicity. Review status: criteria provided, conflicting classifications (1 of 4 stars). 2 submissions from 2 submitters: Uncertain significance (1); Likely benign (1). Last evaluated 2023-04-14.

Conditions:
Hereditary cancer-predisposing syndrome. Also called: Hereditary Cancer Syndrome; Hereditary neoplastic syndrome; Tumor predisposition; Neoplastic Syndromes, Hereditary. Identifiers: Orphanet 140162, MedGen C0027672, MeSH D009386, MONDO:0015356.
Ataxia-telangiectasia-like disorder (ATLD). Identifiers: MedGen C1858391, MONDO:0011457.

Submissions (2):

Ambry Genetics
Classification: Uncertain significance for Hereditary cancer-predisposing syndrome. Last evaluated: 2023-04-14. Review status: criteria provided, single submitter. Criteria: Ambry Variant Classification Scheme 2023. Collection method: clinical testing. Allele origin: germline.
Comment: The c.1927-5G>T intronic variant results from a G to T substitution 5 nucleotides upstream from coding exon 17 in the MRE11A gene. This nucleotide position is poorly conserved in available vertebrate species. In silico splice site analysis predicts that this alteration will not have any significant effect on splicing. Since supporting evidence is limited at this time, the clinical significance of this alteration remains unclear.

Labcorp Genetics (formerly Invitae), Labcorp
Classification: Likely benign for Ataxia-telangiectasia-like disorder. Last evaluated: 2022-07-22. Review status: criteria provided, single submitter. Criteria: Invitae Variant Classification Sherloc (09022015). Collection method: clinical testing. Allele origin: germline.

NM_005591.4(MRE11):c.1927-5G>T

Gene: MRE11 (MRE11 double strand break repair nuclease; minus strand). Cytogenetic location: 11q21.
Variant type: single nucleotide variant.
Coding change: c.1927-5G>T on transcript NM_005591.4 (MANE Select); 5 bases into the intron before coding-DNA position 1927, G replaced by T.
Molecular consequence: intron variant.
Genome position (GRCh38, 1-based): chr11:94,435,904, C>A on the plus strand (G>T on the coding strand, the complement: MRE11 is on the minus strand). VCF-style: chr11-94435904-C-A. GRCh37 (hg19) VCF-style: chr11-94169070-C-A.
Other names: c.1924-5G>T (NM_001330347.2); c.1843-5G>T (NM_005590.4); c.1927-5G>T (NM_005591.3).
Identifiers: ClinVar variation 1959111 (VCV001959111.7), dbSNP rs1591641001, ClinGen allele CA2580085058.